The following is an entry in ClinVar:

ClinVar aggregate classification (germline): Uncertain significance (1 of 4 stars; one submission).

Conditions:
Atrial fibrillation, familial, 18 (ATFB18). Identifiers: MedGen C4310636, MONDO:0015001, OMIM 617280.

Submission:

Labcorp Genetics (formerly Invitae), Labcorp
Classification: Uncertain significance for Atrial fibrillation, familial, 18. Last evaluated: 2023-05-05. Review status: criteria provided, single submitter. Criteria: Invitae Variant Classification Sherloc (09022015). Collection method: clinical testing. Allele origin: germline.
Comment: In summary, the available evidence is currently insufficient to determine the role of this variant in disease. Therefore, it has been classified as a Variant of Uncertain Significance. Variants that disrupt the consensus splice site are a relatively common cause of aberrant splicing (PMID: 17576681, 9536098). Algorithms developed to predict the effect of sequence changes on RNA splicing suggest that this variant may disrupt the consensus splice site. This variant has not been reported in the literature in individuals affected with MYL4-related conditions. This variant is not present in population databases (gnomAD no frequency). This sequence change falls in intron 5 of the MYL4 gene. It does not directly change the encoded amino acid sequence of the MYL4 protein. It affects a nucleotide within the consensus splice site.

Literature cited by the submitters: PubMed 17576681; PubMed 9536098.

NM_002476.2(MYL4):c.487+3A>T

Gene: MYL4 (myosin light chain 4; plus strand). Cytogenetic location: 17q21.32.
Variant type: single nucleotide variant.
Coding change: c.487+3A>T on transcript NM_002476.2 (MANE Select); 3 bases into the intron after coding-DNA position 487, A replaced by T.
Molecular consequence: intron variant.
Genome position (GRCh38, 1-based): chr17:47,221,858, A>T. VCF-style: chr17-47221858-A-T. GRCh37 (hg19) VCF-style: chr17-45299224-A-T.
Other names: c.487+3A>T (NM_001002841.2).
Identifiers: ClinVar variation 2862213 (VCV002862213.3), dbSNP rs2547599857, ClinGen allele CA2739268182.